The following is an entry in ClinVar:

NM_000256.3(MYBPC3):c.*26+13C>T

Gene: MYBPC3 (myosin binding protein C3; minus strand). Cytogenetic location: 11p11.2.
Variant type: single nucleotide variant.
Coding change: c.*26+13C>T on transcript NM_000256.3 (MANE Select); 13 bases into the intron after 26 bases downstream of the stop codon, C replaced by T.
Molecular consequence: intron variant.
Genome position (GRCh38, 1-based): chr11:47,331,832, G>A on the plus strand (C>T on the coding strand, the complement: MYBPC3 is on the minus strand). VCF-style: chr11-47331832-G-A. GRCh37 (hg19) VCF-style: chr11-47353383-G-A.
Identifiers: ClinVar variation 380679 (VCV000380679.1), dbSNP rs756818187, ClinGen allele CA050920.

ClinVar aggregate classification (germline): Likely benign (1 of 4 stars; one submission).

Allele frequency attached by ClinVar (database versions not stated): TOPMed 0.00004; gnomAD 0.00003.
gnomAD v4.1: 58 of 1,599,888 alleles (0.0036%); highest among the groups gnomAD compares: Non-Finnish European, 0.0043%; 1 homozygote.

Submission:

GeneDx
Classification: Likely benign. Last evaluated: 2015-10-20. Review status: criteria provided, single submitter. Criteria: GeneDx Variant Classification (06012015). Collection method: clinical testing. Allele origin: germline. Affected: yes.
Comment: This variant is considered likely benign or benign based on one or more of the following criteria: it is a conservative change, it occurs at a poorly conserved position in the protein, it is predicted to be benign by multiple in silico algorithms, and/or has population frequency not consistent with disease.